The following is an entry in ClinVar:

ClinVar aggregate classification (germline): Likely benign. Review status: criteria provided, multiple submitters, no conflicts (2 of 4 stars). 3 submissions from 3 submitters: Likely benign (2). 1 of the submissions does not count toward it. Last evaluated 2025-05-14.

Conditions:
Mucopolysaccharidosis, MPS-IV-B (MPS4B). Also called: Mucopolysaccharidosis type IV B; Mucopolysaccharidosis Type IVB; Mucopolysaccharidosis type 4B; Mucopolysaccharidosis type IVB (Morquio); MPS IVB; MORQUIO SYNDROME B. Identifiers: Orphanet 309310, Orphanet 582, MedGen C0086652, MONDO:0009660, OMIM 253010.
GM1 gangliosidosis. Identifiers: Orphanet 354, MedGen C0085131, MONDO:0018149.
Inborn genetic diseases. Identifiers: MedGen C0950123, MeSH D030342.

Allele frequency attached by ClinVar (database versions not stated): gnomAD exomes below 0.00001.

Submissions (3):

Ambry Genetics
Classification: Likely benign for Inborn genetic diseases. Last evaluated: 2025-05-14. Review status: criteria provided, single submitter. Criteria: Ambry Variant Classification Scheme 2023. Collection method: clinical testing. Allele origin: germline.

Labcorp Genetics (formerly Invitae), Labcorp
Classification: Likely benign for Mucopolysaccharidosis, MPS-IV-B; GM1 gangliosidosis. Last evaluated: 2023-08-30. Review status: criteria provided, single submitter. Criteria: Invitae Variant Classification Sherloc (09022015). Collection method: clinical testing. Allele origin: germline.

Department of Pathology and Laboratory Medicine, Sinai Health System
Classification: Uncertain significance. Review status: no assertion criteria provided. Collection method: clinical testing. Allele origin: unknown. Affected: yes. Study: The Canadian Open Genetics Repository (COGR). Not counted in ClinVar's aggregate classification.
Comment: The GLB1 p.Gly92Arg variant was not identified in the literature nor was it identified in dbSNP, ClinVar or in the following control databases: the 1000 Genomes Project, the NHLBI GO Exome Sequencing Project, or the Genome Aggregation Database (March 6, 2019, v2.1.1). The p.Gly92 residue is conserved in mammals and computational analyses (PolyPhen-2, SIFT, AlignGVGD, BLOSUM, MutationTaster) suggest that the variant may impact the protein; this information is not predictive enough to assume pathogenicity. The variant occurs outside of the splicing consensus sequence and 1 of 4 in silico or computational prediction software programs (SpliceSiteFinder, MaxEntScan, NNSPLICE, GeneSplicer) predict a greater than 10% difference in splicing; this is not very predictive of pathogenicity. In summary, based on the above information the clinical significance of this variant cannot be determined with certainty at this time. This variant is classified as a variant of uncertain significance.

NM_000404.4(GLB1):c.486G>A (p.Leu162=)

Gene: GLB1 (galactosidase beta 1; minus strand). Cytogenetic location: 3p22.3.
Variant type: single nucleotide variant.
Coding change: c.486G>A on transcript NM_000404.4 (MANE Select); coding-DNA position 486, G replaced by A.
Protein change: p.Leu162=; no amino-acid change (leucine 162 retained).
Molecular consequence: synonymous variant. On other transcripts: missense variant (1).
Genome position (GRCh38, 1-based): chr3:33,065,529, C>T on the plus strand (G>A on the coding strand, the complement: GLB1 is on the minus strand). VCF-style: chr3-33065529-C-T. GRCh37 (hg19) VCF-style: chr3-33107021-C-T.
Other names: c.396G>A, p.Leu132= (NM_001079811.3); c.274G>A, p.Gly92Arg (NM_001135602.3); c.630G>A, p.Leu210= (NM_001317040.2); c.486G>A (NM_000404.2); short protein forms G92R.
Identifiers: ClinVar variation 1050398 (VCV001050398.7), dbSNP rs2125543638, ClinGen allele CA351992431.
Genomic context (GRCh38, chr3:33,065,529, plus strand): 5'-TGTTATAACTGGCCCTCCATTCTGATAGAGGAGAGGCTTCATCTTGGGCAGAAGGACTCC[C>T]AACCACTTGTCCACAGCTGCCAGGTAATCTGGAAAACAAGAAAAGTTTAACACAAGCTTG-3'
Protein context (NP_000395.3, residues 152-172): PDYLAAVDKW[Leu162=]GVLLPKMKPL